The following is an entry in ClinVar:

ClinVar aggregate classification (germline): Uncertain significance (1 of 4 stars; one submission).

Conditions:
Primary dilated cardiomyopathy (DCM). Also called: Dilated Cardiomyopathy. Identifiers: Orphanet 217604, MedGen C0007193, MeSH D002311, MONDO:0005021, HP:0001644. Inheritance: Various modes of inheritance.

gnomAD v4.1: 3 of 1,608,794 alleles (0.00019%); highest among the groups gnomAD compares: Non-Finnish European, 0.00026%; no homozygotes.

Submission:

Labcorp Genetics (formerly Invitae), Labcorp
Classification: Uncertain significance for Primary dilated cardiomyopathy. Last evaluated: 2025-07-13. Review status: criteria provided, single submitter. Criteria: Invitae Variant Classification Sherloc (09022015). Collection method: clinical testing. Allele origin: germline.
Comment: This sequence change replaces glutamic acid, which is acidic and polar, with aspartic acid, which is acidic and polar, at codon 365 of the NEBL protein (p.Glu365Asp). This variant is not present in population databases (gnomAD no frequency). This variant has not been reported in the literature in individuals affected with NEBL-related conditions. An algorithm developed to predict the effect of missense changes on protein structure and function (PolyPhen-2) suggests that this variant is likely to be tolerated. In summary, the available evidence is currently insufficient to determine the role of this variant in disease. Therefore, it has been classified as a Variant of Uncertain Significance.

NM_006393.3(NEBL):c.1095G>T (p.Glu365Asp)

Gene: NEBL (nebulette; minus strand). Cytogenetic location: 10p12.31.
Variant type: single nucleotide variant.
Coding change: c.1095G>T on transcript NM_006393.3 (MANE Select); coding-DNA position 1095, G replaced by T.
Protein change: p.Glu365Asp; replaces glutamic acid 365 with aspartic acid.
Molecular consequence: missense variant. On other transcripts: intron variant (9).
Genome position (GRCh38, 1-based): chr10:20,850,416, C>A on the plus strand (G>T on the coding strand, the complement: NEBL is on the minus strand). VCF-style: chr10-20850416-C-A. GRCh37 (hg19) VCF-style: chr10-21139345-C-A.
Other names: c.250-37476G>T (NM_001377326.1, NM_001377327.1, NM_001377328.1); c.358-37476G>T (NM_213569.2, NM_001173484.2, NM_001377322.1); c.301-37476G>T (NM_001377324.1); c.292-37476G>T (NM_001377325.1); c.310-37476G>T (NM_001377323.1); short protein forms E365D.
Identifiers: ClinVar variation 4690455 (VCV004690455.1).